The following is an entry in ClinVar:

ClinVar aggregate classification (germline): Benign/Likely benign. Review status: criteria provided, multiple submitters, no conflicts (2 of 4 stars). 3 submissions from 3 submitters: Benign (1); Likely benign (2). Last evaluated 2024-10-26.

Conditions:
Hereditary spastic paraplegia 2 (SPG2). Also called: SPASTIC PARAPLEGIA 2, X-LINKED; Spastic Paraplegia 2 (SPG2). Identifiers: Orphanet 99015, MedGen C0751604, MONDO:0010733, OMIM 312920.

Allele frequency attached by ClinVar (database versions not stated): ExAC 0.00001; gnomAD exomes 0.00002 and 0.00006; gnomAD 0.00003 and 0.00022; TOPMed 0.00045.
gnomAD v4.1: 92 of 1,209,167 alleles (0.0076%); highest among the groups gnomAD compares: Middle Eastern, 0.046%; no homozygotes.

Submissions (3):

Labcorp Genetics (formerly Invitae), Labcorp
Classification: Benign for Hereditary spastic paraplegia 2. Last evaluated: 2024-10-26. Review status: criteria provided, single submitter. Criteria: Invitae Variant Classification Sherloc (09022015). Collection method: clinical testing. Allele origin: germline.

Blueprint Genetics
Classification: Likely benign. Last evaluated: 2024-10-08. Review status: criteria provided, single submitter. Criteria: ACMG Guidelines, 2015. Collection method: clinical testing. Allele origin: germline.

CeGaT Center for Human Genetics Tuebingen
Classification: Likely benign. Last evaluated: 2023-05-01. Review status: criteria provided, single submitter. Criteria: CeGaT Center For Human Genetics Tuebingen Variant Classification Criteria Version 2. Collection method: clinical testing. Allele origin: germline. Affected: yes. Observed: 2 variant alleles.
Comment: PLP1: BP4, BP7, BS2

NM_000533.5(PLP1):c.579C>T (p.Thr193=)

Genes: PLP1 (proteolipid protein 1; plus strand), RAB9B (RAB9B, member RAS oncogene family; minus strand). Cytogenetic location: Xq22.2.
Variant type: single nucleotide variant.
Coding change: c.579C>T on transcript NM_000533.5 (MANE Select); coding-DNA position 579, C replaced by T.
Protein change: p.Thr193=; no amino-acid change (threonine 193 retained).
Molecular consequence: synonymous variant.
Genome position (GRCh38, 1-based): chrX:103,787,923, C>T. VCF-style: chrX-103787923-C-T. GRCh37 (hg19) VCF-style: chrX-103042852-C-T.
Other names: c.579C>T, p.Thr193= (NM_001128834.3); c.414C>T, p.Thr138= (NM_001305004.1); c.474C>T, p.Thr158= (NM_199478.3).
Identifiers: ClinVar variation 1532360 (VCV001532360.32), dbSNP rs778217267, ClinGen allele CA10478994.
Genomic context (GRCh38, chrX:103,787,923, plus strand): 5'-TGTGTACATTTACTTCAACACCTGGACCACCTGCCAGTCTATTGCCTTCCCCAGCAAGAC[C>T]TCTGCCAGTATAGGCAGTCTCTGTGCTGATGCCAGAATGTATGGTGAGTTAGGGTACGGG-3'
Protein context (NP_000524.3, residues 183-203): TCQSIAFPSK[Thr193=]SASIGSLCAD